The following is an entry in ClinVar:

ClinVar aggregate classification (germline): Likely pathogenic (1 of 4 stars; one submission).

Submission:

Labcorp Genetics (formerly Invitae), Labcorp
Classification: Likely pathogenic. Last evaluated: 2022-10-04. Review status: criteria provided, single submitter. Criteria: Invitae Variant Classification Sherloc (09022015). Collection method: clinical testing. Allele origin: germline.
Comment: In summary, the currently available evidence indicates that the variant is pathogenic, but additional data are needed to prove that conclusively. Therefore, this variant has been classified as Likely Pathogenic. Algorithms developed to predict the effect of sequence changes on RNA splicing suggest that this variant may disrupt the consensus splice site. This variant has not been reported in the literature in individuals affected with COL4A5-related conditions. This variant is not present in population databases (gnomAD no frequency). This sequence change affects a splice site in intron 15 of the COL4A5 gene. It is expected to disrupt RNA splicing. Variants that disrupt the donor or acceptor splice site typically lead to a loss of protein function (PMID: 16199547), and loss-of-function variants in COL4A5 are known to be pathogenic (PMID: 9195222, 10752524, 14514738, 24854265, 26809805).

Literature cited by the submitters: PubMed 16199547; PubMed 9195222; PubMed 10752524; PubMed 14514738; PubMed 24854265; PubMed 26809805.

NM_033380.3(COL4A5):c.891+2del

Gene: COL4A5 (collagen type IV alpha 5 chain; plus strand). Cytogenetic location: Xq22.3.
Variant type: Deletion.
Coding change: c.891+2del on transcript NM_033380.3 (MANE Select); the canonical splice donor site of the intron after coding-DNA position 891, one base deleted (T; older notation c.891+2delT).
Molecular consequence: splice donor variant.
Genome position (GRCh38, 1-based): chrX:108,580,740, T deleted. VCF-style (leftmost placement, unchanged base first): chrX-108580739-GT-G. GRCh37 (hg19) VCF-style: chrX-107823969-GT-G.
Other names: c.891+2del (NM_000495.5).
Identifiers: ClinVar variation 2807602 (VCV002807602.3), dbSNP rs2524245625, ClinGen allele CA2739273686.